The following is an entry in ClinVar:

ClinVar aggregate classification (germline): Uncertain significance (1 of 4 stars; one submission).

gnomAD v4.1: 8 of 1,614,082 alleles (0.0005%); highest among the groups gnomAD compares: South Asian, 0.0011%; no homozygotes.

Submission:

GeneDx
Classification: Uncertain significance. Last evaluated: 2024-03-27. Review status: criteria provided, single submitter. Criteria: GeneDx Variant Classification Process June 2021. Collection method: clinical testing. Allele origin: germline. Affected: yes.
Comment: Not observed at significant frequency in large population cohorts (gnomAD); In silico analysis supports that this missense variant has a deleterious effect on protein structure/function; This variant is associated with the following publications: (PMID: 30847666)

NM_001267550.2(TTN):c.6232C>T (p.Pro2078Ser)

Gene: TTN (titin; minus strand). Cytogenetic location: 2q31.2.
Variant type: single nucleotide variant.
Coding change: c.6232C>T on transcript NM_001267550.2 (MANE Select); coding-DNA position 6232, C replaced by T.
Protein change: p.Pro2078Ser; replaces proline 2078 with serine.
Molecular consequence: missense variant.
Genome position (GRCh38, 1-based): chr2:178,775,632, G>A on the plus strand (C>T on the coding strand, the complement: TTN is on the minus strand). VCF-style: chr2-178775632-G-A. GRCh37 (hg19) VCF-style: chr2-179640359-G-A.
Other names: c.6232C>T, p.Pro2078Ser (NM_001256850.1, NM_133378.4, NM_133379.5); c.6094C>T, p.Pro2032Ser (NM_003319.4, NM_133432.3, NM_133437.4); short protein forms P2032S, P2078S.
Identifiers: ClinVar variation 3343641 (VCV003343641.1).